The following is an entry in ClinVar:

ClinVar aggregate classification (germline): Likely benign (1 of 4 stars; one submission).

Allele frequency attached by ClinVar (database versions not stated): gnomAD exomes below 0.00001; ExAC 0.00001.
gnomAD v4.1: 1 of 1,613,622 alleles (0.000062%); highest among the groups gnomAD compares: Non-Finnish European, 0.000085%; no homozygotes.

Submission:

CeGaT Center for Human Genetics Tuebingen
Classification: Likely benign. Last evaluated: 2023-05-01. Review status: criteria provided, single submitter. Criteria: CeGaT Center For Human Genetics Tuebingen Variant Classification Criteria Version 2. Collection method: clinical testing. Allele origin: germline. Affected: yes. Observed: 1 variant allele.
Comment: RPL19: BP4, BP7

NM_000981.4(RPL19):c.72A>G (p.Leu24=)

Gene: RPL19 (ribosomal protein L19; plus strand). Cytogenetic location: 17q12.
Variant type: single nucleotide variant.
Coding change: c.72A>G on transcript NM_000981.4 (MANE Select); coding-DNA position 72, A replaced by G.
Protein change: p.Leu24=; no amino-acid change (leucine 24 retained).
Molecular consequence: synonymous variant.
Genome position (GRCh38, 1-based): chr17:39,201,279, A>G. VCF-style: chr17-39201279-A-G. GRCh37 (hg19) VCF-style: chr17-37357532-A-G.
Other names: c.66A>G, p.Leu22= (NM_001330200.1).
Identifiers: ClinVar variation 2647714 (VCV002647714.24), dbSNP rs773822761, ClinGen allele CA8528814.